The following is an entry in ClinVar:

NM_138694.4(PKHD1):c.937del (p.Ala313fs)

Gene: PKHD1 (PKHD1 ciliary IPT domain containing fibrocystin/polyductin; minus strand). Cytogenetic location: 6p12.2.
Variant type: Deletion.
Coding change: c.937del on transcript NM_138694.4 (MANE Select); coding-DNA position 937, one base deleted (G; older notation c.937delG).
Protein change: p.Ala313fs; shifts the reading frame from alanine 313.
Molecular consequence: frameshift variant.
Genome position (GRCh38, 1-based): chr6:52,064,994, C deleted on the plus strand (G on the coding strand, the reverse complement: PKHD1 is on the minus strand); the first of 3 consecutive C bases (chr6:52,064,994-52,064,996); deleting any one gives the same sequence. VCF-style (leftmost placement, unchanged base first): chr6-52064993-GC-G. GRCh37 (hg19) VCF-style: chr6-51929791-GC-G.
Other names: c.937del, p.Ala313fs (NM_170724.3); short protein forms A313fs.
Identifiers: ClinVar variation 3594026 (VCV003594026.2).

ClinVar aggregate classification (germline): Pathogenic/Likely pathogenic. Review status: criteria provided, multiple submitters, no conflicts (2 of 4 stars). 2 submissions from 2 submitters: Pathogenic (1); Likely pathogenic (1). Last evaluated 2026-04-01.

Conditions:
Polycystic kidney disease 4 (PKD4). Also called: POLYCYSTIC KIDNEY DISEASE 4 WITH OR WITHOUT POLYCYSTIC LIVER DISEASE; POLYCYSTIC KIDNEY AND HEPATIC DISEASE 1; POLYCYSTIC KIDNEY DISEASE, INFANTILE, TYPE I; PKD3; Autosomal Recessive Polycystic Kidney Disease – PKHD1. Identifiers: MedGen C4540575, MONDO:0033004, OMIM 263200.

Submissions (2):

Myriad Genetics, Inc.
Classification: Pathogenic for Polycystic kidney disease 4. Last evaluated: 2026-04-01. Review status: criteria provided, single submitter. Criteria: Myriad Autosomal Dominant, Autosomal Recessive and X-Linked Classification Criteria (2023). Collection method: clinical testing. Allele origin: unknown.
Comment: NM_138694.3(PKHD1):c.937delG(A313Lfs*6) is expected to be pathogenic in the context of autosomal recessive polycystic kidney disease, PKHD1-related. This variant is predicted to lead to an abnormal or absent protein product due to the creation of a premature termination codon in PKHD1, a gene where loss-of-function variants are known to be pathogenic. Please note: this variant was assessed in the context of healthy population screening.

Fulgent Genetics
Classification: Likely pathogenic for Polycystic kidney disease 4. Last evaluated: 2024-06-18. Review status: criteria provided, single submitter. Criteria: ACMG Guidelines, 2015. Collection method: clinical testing. Allele origin: germline.